The following is an entry in ClinVar:

ClinVar aggregate classification (germline): Conflicting classifications of pathogenicity. Review status: criteria provided, conflicting classifications (1 of 4 stars). 3 submissions from 3 submitters: Uncertain significance (1); Likely benign (2). Last evaluated 2025-03-23.

Conditions:
Inborn genetic diseases. Identifiers: MedGen C0950123, MeSH D030342.
Deafness-lymphedema-leukemia syndrome. Also called: Emberger syndrome; Lymphedema, primary, with myelodysplasia. Identifiers: Orphanet 3226, MedGen C3279664, MONDO:0013540, OMIM 614038.
Monocytopenia with susceptibility to infections. Also called: IMMUNODEFICIENCY 21; GATA2 DEFICIENCY; MONOCYTOPENIA AND MYCOBACTERIAL INFECTION SYNDROME; MONOCYTOPENIA WITH SUSCEPTIBILITY TO MYCOBACTERIAL, FUNGAL, AND PAPILLOMAVIRUS INFECTIONS AND MYELODYSPLASIA; COMBINED IMMUNODEFICIENCY WITH SUSCEPTIBILITY TO MYCOBACTERIAL, VIRAL, AND FUNGAL INFECTIONS; Dendritic cell, monocyte, B lymphocyte, and natural killer lymphocyte deficiency. Identifiers: Orphanet 228423, MedGen C3280030, MONDO:0013607, OMIM 614172.

Allele frequency attached by ClinVar (database versions not stated): gnomAD exomes below 0.00001; gnomAD 0.00002; TOPMed 0.00002.
gnomAD v4.1: 5 of 1,614,028 alleles (0.00031%); highest among the groups gnomAD compares: African/African-American, 0.0067%; no homozygotes.

Submissions (3):

Labcorp Genetics (formerly Invitae), Labcorp
Classification: Likely benign for Monocytopenia with susceptibility to infections; Deafness-lymphedema-leukemia syndrome. Last evaluated: 2025-03-23. Review status: criteria provided, single submitter. Criteria: Invitae Variant Classification Sherloc (09022015). Collection method: clinical testing. Allele origin: germline.

GeneDx
Classification: Uncertain significance. Last evaluated: 2025-03-10. Review status: criteria provided, single submitter. Criteria: GeneDx Variant Classification Process June 2021. Collection method: clinical testing. Allele origin: germline. Affected: yes.
Comment: Not observed at significant frequency in large population cohorts (gnomAD); In silico analysis indicates that this variant does not alter splicing; Has not been previously published as pathogenic or benign to our knowledge

Ambry Genetics
Classification: Likely benign for Inborn genetic diseases. Last evaluated: 2024-12-31. Review status: criteria provided, single submitter. Criteria: Ambry Variant Classification Scheme 2023. Collection method: clinical testing. Allele origin: germline.

NM_032638.5(GATA2):c.945G>C (p.Leu315=)

Gene: GATA2 (GATA binding protein 2; minus strand). Cytogenetic location: 3q21.3.
Variant type: single nucleotide variant.
Coding change: c.945G>C on transcript NM_032638.5 (MANE Select); coding-DNA position 945, G replaced by C.
Protein change: p.Leu315=; no amino-acid change (leucine 315 retained).
Molecular consequence: synonymous variant.
Genome position (GRCh38, 1-based): chr3:128,483,932, C>G on the plus strand (G>C on the coding strand, the complement: GATA2 is on the minus strand). VCF-style: chr3-128483932-C-G. GRCh37 (hg19) VCF-style: chr3-128202775-C-G.
Other names: c.945G>C, p.Leu315= (NM_001145661.2, NM_001145662.1).
Identifiers: ClinVar variation 707322 (VCV000707322.12), dbSNP rs947420881, ClinGen allele CA83370788.